The following is an entry in ClinVar:

ClinVar aggregate classification (germline): Likely benign (1 of 4 stars; one submission).

Allele frequency attached by ClinVar (database versions not stated): gnomAD 0.00015; TOPMed 0.00019; gnomAD exomes 0.00027; ExAC 0.00066; 1000 Genomes Project 30x 0.00146; 1000 Genomes Project 0.00185.
gnomAD v4.1: 315 of 1,195,567 alleles (0.026%); highest among the groups gnomAD compares: East Asian, 0.73%; 1 homozygote.

Submission:

CeGaT Center for Human Genetics Tuebingen
Classification: Likely benign. Last evaluated: 2022-12-01. Review status: criteria provided, single submitter. Criteria: CeGaT Center For Human Genetics Tuebingen Variant Classification Criteria Version 2. Collection method: clinical testing. Allele origin: germline. Affected: yes. Observed: 1 variant allele.
Comment: HEPH: BS2

NM_001367233.3(HEPH):c.1702G>C (p.Asp568His)

Gene: HEPH (hephaestin; plus strand). Cytogenetic location: Xq12.
Variant type: single nucleotide variant.
Coding change: c.1702G>C on transcript NM_001367233.3 (MANE Select); coding-DNA position 1702, G replaced by C.
Protein change: p.Asp568His; replaces aspartic acid 568 with histidine.
Molecular consequence: missense variant. On other transcripts: non-coding transcript variant (3), intron variant (2).
Genome position (GRCh38, 1-based): chrX:66,197,883, G>C. VCF-style: chrX-66197883-G-C. GRCh37 (hg19) VCF-style: chrX-65417725-G-C.
Other names: c.1702G>C, p.Asp568His (NM_001130860.6, NM_001367232.3, NM_001367234.3 and 5 more transcripts); c.1696G>C, p.Asp566His (NM_001367236.3); c.901G>C, p.Asp301His (NM_001367242.2, NM_014799.4); c.1501+2654G>C (NM_001282141.3, NM_001367243.3); short protein forms D301H, D566H, D568H.
Identifiers: ClinVar variation 2660764 (VCV002660764.24), dbSNP rs3747359, ClinGen allele CA10435491.
Genomic context (GRCh38, chrX:66,197,883, plus strand): 5'-GACACAAATTCTGGCCTGGTGGGCCCGCTGCTGGTGTGCAGGGCTGGTGCCTTGGGTGCA[G>C]ATGGCAAGCAGGTATTGTCAGGGTTATCTGGCTGGAAAGCCTGCTGGGAGAAGGATGAAG-3'
Protein context (NP_001354162.2, residues 558-578): LVCRAGALGA[Asp568His]GKQKGVDKEF